The following is an entry in ClinVar:

ClinVar aggregate classification (germline): Likely benign (1 of 4 stars; one submission).

Allele frequency attached by ClinVar (database versions not stated): 1000 Genomes Project 0.01697; 1000 Genomes Project 30x 0.01765; gnomAD 0.02254 and 0.02282; TOPMed 0.02397.
gnomAD v4.1: 3,483 of 152,204 alleles (2.3%); highest among the groups gnomAD compares: Middle Eastern, 7.5%; 58 homozygotes.

Submission:

GeneDx
Classification: Likely benign. Last evaluated: 2018-06-14. Review status: criteria provided, single submitter. Criteria: GeneDx Variant Classification (06012015). Collection method: clinical testing. Allele origin: germline. Affected: yes.
Comment: This variant is considered likely benign or benign based on one or more of the following criteria: it is a conservative change, it occurs at a poorly conserved position in the protein, it is predicted to be benign by multiple in silico algorithms, and/or has population frequency not consistent with disease.

NM_000090.4(COL3A1):c.997-277A>G

Gene: COL3A1 (collagen type III alpha 1 chain; plus strand). Cytogenetic location: 2q32.2.
Variant type: single nucleotide variant.
Coding change: c.997-277A>G on transcript NM_000090.4 (MANE Select); 277 bases into the intron before coding-DNA position 997, A replaced by G.
Molecular consequence: intron variant.
Genome position (GRCh38, 1-based): chr2:188,992,610, A>G. VCF-style: chr2-188992610-A-G. GRCh37 (hg19) VCF-style: chr2-189857336-A-G.
Identifiers: ClinVar variation 683360 (VCV000683360.1), dbSNP rs3134655, ClinGen allele CA62593818.